The following is an entry in ClinVar:

ClinVar aggregate classification (germline): Conflicting classifications of pathogenicity. Review status: criteria provided, conflicting classifications (1 of 4 stars). 2 submissions from 2 submitters: Uncertain significance (1); Likely benign (1). Last evaluated 2025-12-03.

Conditions:
Hypertrophic cardiomyopathy 26. Also called: Cardiomyopathy, familial hypertrophic, 26. Identifiers: Orphanet 75249, MedGen C4310749, MONDO:0014883, OMIM 617047.
Myofibrillar myopathy 5. Also called: FILAMINOPATHY, AUTOSOMAL DOMINANT; Filaminopathy (type). Identifiers: Orphanet 171445, MedGen C1836050, MONDO:0012289, OMIM 609524.
Distal myopathy with posterior leg and anterior hand involvement. Also called: WILLIAMS DISTAL MYOPATHY. Identifiers: Orphanet 63273, MedGen C3279722, MONDO:0013550, OMIM 614065.
Cardiovascular phenotype. Identifiers: MedGen CN230736.

Allele frequency attached by ClinVar (database versions not stated): TOPMed 0.00002; gnomAD 0.00006.

Submissions (2):

Labcorp Genetics (formerly Invitae), Labcorp
Classification: Likely benign for Distal myopathy with posterior leg and anterior hand involvement; Myofibrillar myopathy 5; Hypertrophic cardiomyopathy 26. Last evaluated: 2025-12-03. Review status: criteria provided, single submitter. Criteria: Invitae Variant Classification Sherloc (09022015). Collection method: clinical testing. Allele origin: germline.

Ambry Genetics
Classification: Uncertain significance for Cardiovascular phenotype. Last evaluated: 2023-10-20. Review status: criteria provided, single submitter. Criteria: Ambry Variant Classification Scheme 2023. Collection method: clinical testing. Allele origin: germline.
Comment: The p.R157C variant (also known as c.469C>T), located in coding exon 2 of the FLNC gene, results from a C to T substitution at nucleotide position 469. The arginine at codon 157 is replaced by cysteine, an amino acid with highly dissimilar properties. This amino acid position is not well conserved in available vertebrate species. In addition, the in silico prediction for this alteration is inconclusive. Since supporting evidence is limited at this time, the clinical significance of this alteration remains unclear.

NM_001458.5(FLNC):c.469C>T (p.Arg157Cys)

Gene: FLNC (filamin C; plus strand). Cytogenetic location: 7q32.1.
Variant type: single nucleotide variant.
Coding change: c.469C>T on transcript NM_001458.5 (MANE Select); coding-DNA position 469, C replaced by T.
Protein change: p.Arg157Cys; replaces arginine 157 with cysteine.
Molecular consequence: missense variant.
Genome position (GRCh38, 1-based): chr7:128,835,442, C>T. VCF-style: chr7-128835442-C-T. GRCh37 (hg19) VCF-style: chr7-128475496-C-T.
Other names: c.469C>T, p.Arg157Cys (NM_001127487.2); short protein forms R157C.
Identifiers: ClinVar variation 580735 (VCV000580735.8), dbSNP rs759739899, ClinGen allele CA4474040.